The following is an entry in ClinVar:

NM_007294.4(BRCA1):c.3403C>T (p.Gln1135Ter)

Genes: BRCA1 (BRCA1 DNA repair associated; minus strand), LOC126862571 (BRD4-independent group 4 enhancer GRCh37_chr17:41243136-41244335; plus strand). Cytogenetic location: 17q21.31.
Variant type: single nucleotide variant.
Coding change: c.3403C>T on transcript NM_007294.4 (MANE Select); coding-DNA position 3403, C replaced by T.
Protein change: p.Gln1135Ter; replaces glutamine 1135 with a stop codon.
Molecular consequence: nonsense. On other transcripts: intron variant (135).
Genome position (GRCh38, 1-based): chr17:43,092,128, G>A on the plus strand (C>T on the coding strand, the complement: BRCA1 is on the minus strand). VCF-style: chr17-43092128-G-A. GRCh37 (hg19) VCF-style: chr17-41244145-G-A.
Other names: 3522C>T; c.3190C>T, p.Gln1064Ter (NM_001407571.1, NM_001407853.1, NM_001407894.1 and 9 more transcripts); c.3403C>T, p.Gln1135Ter (NM_001407581.1, NM_001407582.1, NM_001407583.1 and 30 more transcripts); c.3400C>T, p.Gln1134Ter (NM_001407587.1, NM_001407590.1, NM_001407591.1 and 22 more transcripts); c.3394C>T, p.Gln1132Ter (NM_001407646.1, NM_001407647.1); c.3280C>T, p.Gln1094Ter (NM_001407648.1, NM_001407664.1, NM_001407665.1 and 19 more transcripts); c.3277C>T, p.Gln1093Ter (NM_001407649.1, NM_001407670.1, NM_001407671.1 and 11 more transcripts); c.3325C>T, p.Gln1109Ter (NM_001407653.1, NM_001407654.1, NM_001407655.1 and 4 more transcripts); and 42 more; short protein forms Q1135*, Q1088*, Q1008*, Q1024*, Q1065*, Q1067*, Q1093*, Q1108*.
Identifiers: ClinVar variation 54868 (VCV000054868.24), dbSNP rs80357136, ClinGen allele CA002200.

ClinVar aggregate classification (germline): Pathogenic. Review status: reviewed by expert panel (3 of 4 stars). 12 submissions from 12 submitters: Pathogenic (1). 11 of the submissions do not count toward it. Last evaluated 2016-04-22.

Conditions:
Hereditary cancer-predisposing syndrome. Also called: Tumor predisposition; Neoplastic Syndromes, Hereditary; Hereditary Cancer Syndrome; Hereditary neoplastic syndrome. Identifiers: Orphanet 140162, MedGen C0027672, MeSH D009386, MONDO:0015356.
Hereditary breast ovarian cancer syndrome. Also called: Hereditary breast and ovarian cancer syndrome (HBOC); Hereditary breast and ovarian cancer syndrome; Hereditary breast and ovarian cancer; Hereditary breast and/or ovarian cancer syndrome; Breast and ovarian cancer; BRCA1- and BRCA2-Associated Hereditary Breast and Ovarian Cancer. Identifiers: Orphanet 145, MedGen C0677776, MeSH D061325, MONDO:0003582. Disease mechanism: loss of function.
Breast-ovarian cancer, familial, susceptibility to, 1 (BROVCA1). Also called: OVARIAN CANCER, SUSCEPTIBILITY TO; BRCA1 Hereditary Breast and Ovarian Cancer. Identifiers: Orphanet 145, MedGen C2676676, MONDO:0011450, OMIM 604370. Disease mechanism: loss of function.

Allele frequency attached by ClinVar (database versions not stated): gnomAD 0.00001; 1000 Genomes Project 30x 0.00016.
gnomAD v4.1: 1 of 1,613,664 alleles (0.000062%); highest among the groups gnomAD compares: South Asian, 0.0011%; no homozygotes.

Submissions (12):

Evidence-based Network for the Interpretation of Germline Mutant Alleles (ENIGMA)
Classification: Pathogenic for Breast-ovarian cancer, familial, susceptibility to, 1. Last evaluated: 2016-04-22. Review status: reviewed by expert panel. Criteria: ENIGMA BRCA1/2 Classification Criteria (2015). Collection method: curation. Allele origin: germline.
Comment: Variant allele predicted to encode a truncated non-functional protein.

Labcorp Genetics (formerly Invitae), Labcorp
Classification: Pathogenic for Hereditary breast ovarian cancer syndrome. Last evaluated: 2025-01-02. Review status: criteria provided, single submitter. Criteria: Invitae Variant Classification Sherloc (09022015). Collection method: clinical testing. Allele origin: germline. Not counted in ClinVar's aggregate classification.
Comment: This sequence change creates a premature translational stop signal (p.Gln1135*) in the BRCA1 gene. It is expected to result in an absent or disrupted protein product. Loss-of-function variants in BRCA1 are known to be pathogenic (PMID: 20104584). This variant is not present in population databases (gnomAD no frequency). This premature translational stop signal has been observed in individual(s) with breast and/or ovarian cancer (PMID: 16267036, 21120943, 21895635, 24448499). This variant is also known as 3522C>T. ClinVar contains an entry for this variant (Variation ID: 54868). For these reasons, this variant has been classified as Pathogenic.

Ambry Genetics
Classification: Pathogenic for Hereditary cancer-predisposing syndrome. Last evaluated: 2024-11-12. Review status: criteria provided, single submitter. Criteria: Ambry Variant Classification Scheme 2023. Collection method: clinical testing. Allele origin: germline. Not counted in ClinVar's aggregate classification.
Comment: The p.Q1135* pathogenic mutation (also known as c.3403C>T), located in coding exon 9 of the BRCA1 gene, results from a C to T substitution at nucleotide position 3403. This changes the amino acid from a glutamine to a stop codon within coding exon 9. This pathogenic mutation has been reported in multiple individuals diagnosed with breast and/or ovarian cancer and/or a family history suggestive of HBOC syndrome (Wagner T et al. Genomics. 1999 Dec;62:369-76; Fern&aacute;ndez-Ramires R et al. Br. J. Cancer. 2009 Oct;101:1469-80; Caux-Moncoutier V et al. Hum. Mutat. 2011 Mar;32:325-34; Guti&eacute;rrez Espeleta GA et al. Clin. Genet. 2012 Nov;82:484-8; Kanchi KL et al. Nat Commun. 2014;5:3156; Lu C et al. Nat Commun. 2015 Dec;6:10086; Momozawa Y et al. Nat Commun, 2018 10;9:4083; Palmero EI et al. Sci Rep, 2018 06;8:9188; Rebbeck TR et al. Hum Mutat, 2018 05;39:593-620). In addition to the clinical data presented in the literature, this alteration is expected to result in loss of function by premature protein truncation or nonsense-mediated mRNA decay. As such, this alteration is interpreted as a disease-causing mutation.

Color Diagnostics, LLC DBA Color Health
Classification: Pathogenic for Hereditary cancer-predisposing syndrome. Last evaluated: 2023-02-06. Review status: criteria provided, single submitter. Criteria: ACMG Guidelines, 2015. Collection method: clinical testing. Allele origin: germline. Not counted in ClinVar's aggregate classification.
Comment: This variant changes 1 nucleotide in exon 10 of the BRCA1 gene, creating a premature translation stop signal. This variant is expected to result in an absent or non-functional protein product. This variant has been reported in multiple individuals affected with breast and/or ovarian cancer (PMID: 21120943, 21895635, 24448499; Color internal data), and has been identified in 12 families among the CIMBA participants (PMID: 29446198). This variant has been identified in 1/250876 chromosomes in the general population by the Genome Aggregation Database (gnomAD). Loss of BRCA1 function is a known mechanism of disease. Based on the available evidence, this variant is classified as Pathogenic.

GeneDx
Classification: Pathogenic. Last evaluated: 2018-03-28. Review status: criteria provided, single submitter. Criteria: GeneDx Variant Classification (06012015). Collection method: clinical testing. Allele origin: germline. Affected: yes. Not counted in ClinVar's aggregate classification.
Comment: This pathogenic variant is denoted BRCA1 c.3403C>T at the cDNA level and p.Gln1135Ter (Q1135X) at the protein level. Using alternate nomenclature, this variant would be defined as BRCA1 3522C>T. The substitution creates a nonsense variant, which changes a Glutamine to a premature stop codon (CAG>TAG), and is predicted to cause loss of normal protein function through either protein truncation or nonsense-mediated mRNA decay. This variant has been reported in association with hereditary breast and ovarian cancer (Judkins 2005, Caux-Moncoutier 2011, Gutierrez Espeleta 2012, Kanchi 2014, Maxwell 2017). We consider it to be pathogenic.

Women's Health and Genetics/Laboratory Corporation of America, LabCorp
Classification: Pathogenic for Hereditary breast and ovarian cancer syndrome. Last evaluated: 2018-02-19. Review status: criteria provided, single submitter. Criteria: LabCorp Variant Classification Summary - May 2015. Collection method: clinical testing. Allele origin: germline. Not counted in ClinVar's aggregate classification.
Comment: Variant summary: BRCA1 c.3403C>T (p.Gln1135X) results in a premature termination codon, predicted to cause a truncation of the encoded protein or absence of the protein due to nonsense mediated decay, which are commonly known mechanisms for disease. Truncations downstream of this position have been classified as pathogenic by our laboratory (e.g., p.Ile1159fsX6 and p.Glu1161fsX3). The variant was absent in 245838 control chromosomes. The c.3403C>T variant has been reported in the literature in multiple individuals affected with Hereditary Breast and Ovarian Cancer. These data indicate that the variant is very likely to be associated with disease. To our knowledge, no experimental evidence demonstrating an impact on protein function has been reported. Four clinical diagnostic laboratories have submitted clinical-significance assessments for this variant to ClinVar after 2014 without evidence for independent evaluation. All laboratories classified the variant as pathogenic/likely pathogenic. Based on the evidence outlined above, the variant was classified as pathogenic.

Human Genome Sequencing Center Clinical Lab, Baylor College of Medicine
Classification: Pathogenic for Breast-ovarian cancer, familial, susceptibility to, 1. Last evaluated: 2017-05-25. Review status: criteria provided, single submitter. Criteria: ACMG Guidelines, 2015. Collection method: clinical testing. Allele origin: germline. Not counted in ClinVar's aggregate classification.
Comment: The c.3403C>T (p.Gln1135*) variant in the BRCA1 gene has been reported by multiple clinical laboratories in ClinVar and reviewed by an expert panel as a pathogenic variant. This variant creates a premature stop codon at amino acid position 1135 of the BRCA1 protein. This variant is thus predicted to result in a loss of function of the protein. The variant was detected in one individual from the ExAC database. This variant thus classified as pathogenic.

Consortium of Investigators of Modifiers of BRCA1/2 (CIMBA), c/o University of Cambridge
Classification: Pathogenic for Breast-ovarian cancer, familial, susceptibility to, 1. Last evaluated: 2015-10-02. Review status: criteria provided, single submitter. Criteria: CIMBA Mutation Classification guidelines May 2016. Collection method: clinical testing. Allele origin: germline. Not counted in ClinVar's aggregate classification.

Genesis Genomics
Classification: Pathogenic for Breast-ovarian cancer, familial, susceptibility to, 1. Review status: criteria provided, single submitter. Criteria: ACMG Guidelines, 2015. Collection method: clinical testing. Allele origin: germline. Affected: yes. Observed: 1 variant allele. Not counted in ClinVar's aggregate classification.

Research Molecular Genetics Laboratory, Women's College Hospital, University of Toronto
Classification: Pathogenic for Hereditary breast ovarian cancer syndrome. Last evaluated: 2014-01-31. Review status: no assertion criteria provided. Collection method: research. Allele origin: germline. Affected: yes. Study: The Canadian Open Genetics Repository (COGR). Not counted in ClinVar's aggregate classification.

Sharing Clinical Reports Project (SCRP)
Classification: Pathogenic for Breast-ovarian cancer, familial 1. Last evaluated: 2012-01-25. Review status: no assertion criteria provided. Collection method: clinical testing. Allele origin: germline. Not counted in ClinVar's aggregate classification.

Breast Cancer Information Core (BIC) (BRCA1)
Classification: Pathogenic for Breast-ovarian cancer, familial 1. Last evaluated: 2002-05-29. Review status: no assertion criteria provided. Collection method: clinical testing. Allele origin: germline. Affected: yes. Observed: 4 variant alleles. Not counted in ClinVar's aggregate classification.

Literature cited by the submitters: PubMed 20104584 (cited by Labcorp Genetics (formerly Invitae), Labcorp); PubMed 16267036 (cited by Labcorp Genetics (formerly Invitae), Labcorp and Women's Health and Genetics/Laboratory Corporation of America, LabCorp); PubMed 21120943 (cited by 4 submitters); PubMed 21895635 (cited by 4 submitters); PubMed 24448499 (cited by 3 submitters); PubMed 10644434 (cited by Ambry Genetics); PubMed 19826428 (cited by Ambry Genetics); PubMed 26689913 (cited by Ambry Genetics); PubMed 29446198 (cited by Ambry Genetics and Color Diagnostics, LLC DBA Color Health); PubMed 29907814 (cited by Ambry Genetics); PubMed 30287823 (cited by Ambry Genetics); PubMed 15781624 (cited by Women's Health and Genetics/Laboratory Corporation of America, LabCorp); PubMed 21702907 (cited by Women's Health and Genetics/Laboratory Corporation of America, LabCorp); PubMed 11556835 (cited by Women's Health and Genetics/Laboratory Corporation of America, LabCorp); PubMed 19377795 (cited by Women's Health and Genetics/Laboratory Corporation of America, LabCorp).